The following is an entry in ClinVar:

NM_001085487.3(MYSM1):c.754A>G (p.Ser252Gly)

Gene: MYSM1 (Myb like, SWIRM and MPN domains 1; minus strand). Cytogenetic location: 1p32.1.
Variant type: single nucleotide variant.
Coding change: c.754A>G on transcript NM_001085487.3 (MANE Select); coding-DNA position 754, A replaced by G.
Protein change: p.Ser252Gly; replaces serine 252 with glycine.
Molecular consequence: missense variant.
Genome position (GRCh38, 1-based): chr1:58,682,290, T>C on the plus strand (A>G on the coding strand, the complement: MYSM1 is on the minus strand). VCF-style: chr1-58682290-T-C. GRCh37 (hg19) VCF-style: chr1-59147962-T-C.
Other names: short protein forms S252G.
Identifiers: ClinVar variation 1429980 (VCV001429980.5), dbSNP rs202033823, ClinGen allele CA340528409.
Genomic context (GRCh38, chr1:58,682,290, plus strand): 5'-AGAGAGCTTCCTGGCTGTCAGAAGTAATGAATTCTCCTTGATTGGTTTCATGCATTTTAC[T>C]ATTAGGAAAGTCTAACAAGAGATCACTGCTAGAATTCTTCTGGGGTGTTTGAGAAGACAA-3'
Protein context (NP_001078956.1, residues 242-262): SSDLLLDFPN[Ser252Gly]KMHETNQGEF

ClinVar aggregate classification (germline): Uncertain significance (1 of 4 stars; one submission).

gnomAD v4.1: 3 of 1,611,650 alleles (0.00019%); highest among the groups gnomAD compares: African/African-American, 0.0013%; no homozygotes.

Submission:

Labcorp Genetics (formerly Invitae), Labcorp
Classification: Uncertain significance. Last evaluated: 2021-08-30. Review status: criteria provided, single submitter. Criteria: Invitae Variant Classification Sherloc (09022015). Collection method: clinical testing. Allele origin: germline.
Comment: This sequence change replaces serine with glycine at codon 252 of the MYSM1 protein (p.Ser252Gly). The serine residue is moderately conserved and there is a small physicochemical difference between serine and glycine. This variant is not present in population databases (ExAC no frequency). This variant has not been reported in the literature in individuals affected with MYSM1-related conditions. Algorithms developed to predict the effect of missense changes on protein structure and function (SIFT, PolyPhen-2, Align-GVGD) all suggest that this variant is likely to be tolerated. In summary, the available evidence is currently insufficient to determine the role of this variant in disease. Therefore, it has been classified as a Variant of Uncertain Significance.